The following is an entry in ClinVar:

NM_007194.4(CHEK2):c.1485del (p.Gln496fs)

Gene: CHEK2 (checkpoint kinase 2; minus strand). Cytogenetic location: 22q12.1.
Variant type: Deletion.
Coding change: c.1485del on transcript NM_007194.4 (MANE Select); coding-DNA position 1485, one base deleted (T; older notation c.1485delT).
Protein change: p.Gln496fs; shifts the reading frame from glutamine 496.
Molecular consequence: frameshift variant.
Genome position (GRCh38, 1-based): chr22:28,689,192, A deleted on the plus strand (T on the coding strand, the reverse complement: CHEK2 is on the minus strand); the first of 3 consecutive A bases (chr22:28,689,192-28,689,194); deleting any one gives the same sequence. VCF-style (leftmost placement, unchanged base first): chr22-28689191-GA-G. GRCh37 (hg19) VCF-style: chr22-29085179-GA-G.
Other names: c.1612delT, p.Gln539Lysfs (NM_001005735.3); c.820delT, p.Gln275Lysfs (NM_001257387.3); c.1282delT, p.Gln429Lysfs (NM_001349956.3); c.1396delT, p.Gln467Lysfs (NM_145862.3); short protein forms Q275fs, Q429fs, Q467fs, Q496fs, Q539fs.
Identifiers: ClinVar variation 2583693 (VCV002583693.2), dbSNP rs2517758153, ClinGen allele CA2582342743.

ClinVar aggregate classification (germline): Pathogenic (1 of 4 stars; one submission).

Conditions:
Familial cancer of breast. Also called: Hereditary breast cancer; BREAST CANCER, FAMILIAL; hereditary breast carcinoma. Identifiers: Orphanet 227535, MedGen C0346153, MONDO:0016419, OMIM 114480. Disease mechanism: loss of function.

Submission:

Myriad Genetics, Inc.
Classification: Pathogenic for Familial cancer of breast. Last evaluated: 2023-06-29. Review status: criteria provided, single submitter. Criteria: Myriad Autosomal Dominant, Autosomal Recessive and X-Linked Classification Criteria (2023). Collection method: clinical testing. Allele origin: unknown.
Comment: This variant is considered pathogenic. This variant creates a frameshift predicted to result in premature protein truncation.